The following is an entry in ClinVar:

NM_000463.3(UGT1A1):c.1072A>C (p.Asn358His)

Genes: UGT1A (UDP glucuronosyltransferase family 1 member A complex locus; plus strand), UGT1A1 (UDP glucuronosyltransferase family 1 member A1; plus strand), UGT1A10 (UDP glucuronosyltransferase family 1 member A10; plus strand), UGT1A3 (UDP glucuronosyltransferase family 1 member A3; plus strand), UGT1A4 (UDP glucuronosyltransferase family 1 member A4; plus strand) and 5 more. Cytogenetic location: 2q37.1.
Variant type: single nucleotide variant.
Coding change: c.1072A>C on transcript NM_000463.3 (MANE Select); coding-DNA position 1072, A replaced by C.
Protein change: p.Asn358His; replaces asparagine 358 with histidine.
Molecular consequence: missense variant.
Genome position (GRCh38, 1-based): chr2:233,767,924, A>C. VCF-style: chr2-233767924-A-C. GRCh37 (hg19) VCF-style: chr2-234676570-A-C.
Other names: c.1063A>C, p.Asn355His (NM_019075.4, NM_019076.5, NM_019077.3 and 1 more transcripts); c.1069A>C, p.Asn357His (NM_001072.4); c.268A>C, p.Asn90His (NM_205862.3); c.1075A>C, p.Asn359His (NM_019078.2, NM_007120.3, NM_019093.4); short protein forms N359H, N355H, N357H, N358H, N90H.
Identifiers: ClinVar variation 4755303 (VCV004755303.1).
Genomic context (GRCh38, chr2:233,767,924, plus strand): 5'-ACTGGAACCCGACCATCGAATCTTGCGAACAACACGATACTTGTTAAGTGGCTACCCCAA[A>C]ACGATCTGCTTGGTATGTTGGGCGGATTGGATGTATAGGTCAAACCAGGGTCAAATTAAG-3'
Protein context (NP_000454.1, residues 348-368): NTILVKWLPQ[Asn358His]DLLGHPMTRA

ClinVar aggregate classification (germline): Uncertain significance (1 of 4 stars; one submission).

Submission:

Labcorp Genetics (formerly Invitae), Labcorp
Classification: Uncertain significance. Last evaluated: 2025-03-26. Review status: criteria provided, single submitter. Criteria: Invitae Variant Classification Sherloc (09022015). Collection method: clinical testing. Allele origin: germline.
Comment: This sequence change replaces asparagine, which is neutral and polar, with histidine, which is basic and polar, at codon 358 of the UGT1A1 protein (p.Asn358His). This variant is not present in population databases (gnomAD no frequency). This variant has not been reported in the literature in individuals affected with UGT1A1-related conditions. Invitae Evidence Modeling of protein sequence and biophysical properties (such as structural, functional, and spatial information, amino acid conservation, physicochemical variation, residue mobility, and thermodynamic stability) indicates that this missense variant is expected to disrupt UGT1A1 protein function with a positive predictive value of 80%. In summary, the available evidence is currently insufficient to determine the role of this variant in disease. Therefore, it has been classified as a Variant of Uncertain Significance.